The following is an entry in ClinVar:

ClinVar aggregate classification (germline): Benign (3 of 4 stars; one submission).

Conditions:
Breast-ovarian cancer, familial, susceptibility to, 2 (BROVCA2). Also called: BRCA2 Hereditary Breast and Ovarian Cancer. Identifiers: Orphanet 145, MedGen C2675520, MONDO:0012933, OMIM 612555. Disease mechanism: loss of function.

Allele frequency attached by ClinVar (database versions not stated): TOPMed 0.00295; 1000 Genomes Project 30x 0.00297; 1000 Genomes Project 0.00300; gnomAD 0.00251 and 0.00267.
gnomAD v4.1: 374 of 152,248 alleles (0.25%); highest among the groups gnomAD compares: African/African-American, 0.85%; 1 homozygote.

Submission:

Evidence-based Network for the Interpretation of Germline Mutant Alleles (ENIGMA)
Classification: Benign for Breast-ovarian cancer, familial, susceptibility to, 2. Last evaluated: 2016-09-28. Review status: reviewed by expert panel. Criteria: ENIGMA BRCA1/2 Classification Criteria (2015). Collection method: curation. Allele origin: germline.
Comment: Class 1 not pathogenic based on frequency >1% in an outbred sampleset. Frequency 0.0106 (African), derived from 1000 genomes (2013-05-02).

NM_000059.4(BRCA2):c.7007+1569A>G

Gene: BRCA2 (BRCA2 DNA repair associated; plus strand). Cytogenetic location: 13q13.1.
Variant type: single nucleotide variant.
Coding change: c.7007+1569A>G on transcript NM_000059.4 (MANE Select); 1569 bases into the intron after coding-DNA position 7007, A replaced by G.
Molecular consequence: intron variant.
Genome position (GRCh38, 1-based): chr13:32,348,465, A>G. VCF-style: chr13-32348465-A-G. GRCh37 (hg19) VCF-style: chr13-32922602-A-G.
Identifiers: ClinVar variation 264938 (VCV000264938.1), dbSNP rs566431547, ClinGen allele CA10588111.